The following is an entry in ClinVar:

NM_000169.3(GLA):c.547G>T (p.Gly183Cys)

Genes: GLA (galactosidase alpha; minus strand), RPL36A-HNRNPH2 (RPL36A-HNRNPH2 readthrough; plus strand). Cytogenetic location: Xq22.1.
Variant type: single nucleotide variant.
Coding change: c.547G>T on transcript NM_000169.3 (MANE Select); coding-DNA position 547, G replaced by T.
Protein change: p.Gly183Cys; replaces glycine 183 with cysteine.
Molecular consequence: missense variant. On other transcripts: non-coding transcript variant (3), intron variant (2).
Genome position (GRCh38, 1-based): chrX:101,401,632, C>A on the plus strand (G>T on the coding strand, the complement: GLA is on the minus strand). VCF-style: chrX-101401632-C-A. GRCh37 (hg19) VCF-style: chrX-100656620-C-A.
Other names: c.670G>T, p.Gly224Cys (NM_001406747.1, NM_001406749.1); c.547G>T, p.Gly183Cys (NM_001406748.1); c.300+6175C>A (NM_001199973.2); c.177+9810C>A (NM_001199974.2); short protein forms G183C, G224C.
Identifiers: ClinVar variation 4087416 (VCV004087416.2).

ClinVar aggregate classification (germline): Likely pathogenic (1 of 4 stars; one submission).

Conditions:
Fabry disease. Also called: ALPHA-GALACTOSIDASE A DEFICIENCY; ANDERSON-FABRY DISEASE; CERAMIDE TRIHEXOSIDASE DEFICIENCY; GLA DEFICIENCY; HEREDITARY DYSTOPIC LIPIDOSIS; Angiokeratoma corporis diffusum. Identifiers: Orphanet 324, MedGen C0002986, MONDO:0010526, OMIM 301500, HP:0001071. Disease mechanism: Fabry disease is due to inactivating mutations in the X-linked GLA gene resulting in deficiency of the enzyme Alpha Galactosidase-A., loss of function.

Submission:

Genomenon, Inc
Classification: Likely pathogenic for Fabry disease. Last evaluated: 2026-09-08. Review status: criteria provided, single submitter. Criteria: Genomenon Sequence Variant Interpretation Standards - Updated. Collection method: curation. Allele origin: germline. Affected: no.
Comment: GLA p.Gly183Cys (c.547G>T) is a missense variant that changes the amino acid at codon 183 from Glycine to Cysteine. To our knowledge, this variant has not been reported in patients affected with Fabry disease in the published literature. At least one functional study has demonstrated a substantial alteration in protein function relative to the wild-type (PMID:32023956). It is absent or not present at a significant frequency in gnomAD. In silico models predict that this variant is possibly or probably damaging. In conclusion, we classify GLA p.Gly183Cys (c.547G>T) as a likely pathogenic variant.

Literature cited by the submitters: PubMed 32023956.